The following is an entry in ClinVar:

ClinVar aggregate classification (germline): Likely benign (0 of 4 stars; one submission).

Conditions:
GCC2-related disorder. Also called: GCC2-related condition.

Allele frequency attached by ClinVar (database versions not stated): ExAC 0.00015; gnomAD 0.00046; TOPMed 0.00053; 1000 Genomes Project 30x 0.00062; ESP Exome Variant Server 0.00062; 1000 Genomes Project 0.00080.
gnomAD v4.1: 162 of 1,576,306 alleles (0.01%); highest among the groups gnomAD compares: African/African-American, 0.16%; no homozygotes.

Submission:

PreventionGenetics, part of Exact Sciences
Classification: Likely benign for GCC2-related condition. Last evaluated: 2019-04-08. Review status: no assertion criteria provided. Collection method: clinical testing. Allele origin: germline.
Comment: This variant is classified as likely benign based on ACMG/AMP sequence variant interpretation guidelines (Richards et al. 2015 PMID: 25741868, with internal and published modifications).

NM_181453.4(GCC2):c.3543C>T (p.Asn1181=)

Gene: GCC2 (GRIP and coiled-coil domain containing 2; plus strand). Cytogenetic location: 2q12.3.
Variant type: single nucleotide variant.
Coding change: c.3543C>T on transcript NM_181453.4 (MANE Select); coding-DNA position 3543, C replaced by T.
Protein change: p.Asn1181=; no amino-acid change (asparagine 1181 retained).
Molecular consequence: synonymous variant.
Genome position (GRCh38, 1-based): chr2:108,484,241, C>T. VCF-style: chr2-108484241-C-T. GRCh37 (hg19) VCF-style: chr2-109100697-C-T.
Other names: c.3240C>T, p.Asn1080= (NM_001410194.1, NM_014635.3).
Identifiers: ClinVar variation 3057912 (VCV003057912.2), dbSNP rs143737097, ClinGen allele CA1821009.